The following is an entry in ClinVar:

NM_003850.3(SUCLA2):c.940C>T (p.Leu314Phe)

Gene: SUCLA2 (succinate-CoA ligase ADP-forming subunit beta; minus strand). Cytogenetic location: 13q14.2.
Variant type: single nucleotide variant.
Coding change: c.940C>T on transcript NM_003850.3 (MANE Select); coding-DNA position 940, C replaced by T.
Protein change: p.Leu314Phe; replaces leucine 314 with phenylalanine.
Molecular consequence: missense variant.
Genome position (GRCh38, 1-based): chr13:47,954,420, G>A on the plus strand (C>T on the coding strand, the complement: SUCLA2 is on the minus strand). VCF-style: chr13-47954420-G-A. GRCh37 (hg19) VCF-style: chr13-48528555-G-A.
Other names: short protein forms L314F.
Identifiers: ClinVar variation 1942254 (VCV001942254.5), dbSNP rs2541673532, ClinGen allele CA388145524.

ClinVar aggregate classification (germline): Uncertain significance (1 of 4 stars; one submission).

Conditions:
Mitochondrial DNA depletion syndrome, encephalomyopathic form with methylmalonic aciduria (MTDPS5). Also called: SUCLA2-Related Mitochondrial DNA Depletion Syndrome, Encephalomyopathic Form with Methylmalonic Aciduria; Mitochondrial encephalomyopathy aminoacidopathy; MITOCHONDRIAL DNA DEPLETION SYNDROME, ENCEPHALOMYOPATHIC FORM, WITH OR WITHOUT METHYLMALONIC ACIDURIA, AUTOSOMAL RECESSIVE, SUCLA2-RELATED; Mitochondrial DNA depletion syndrome 5 (encephalomyopathic with or without methylmalonic aciduria). Identifiers: Orphanet 1933, MedGen C5980207, MONDO:0012791, OMIM 612073.

Submission:

Labcorp Genetics (formerly Invitae), Labcorp
Classification: Uncertain significance for Mitochondrial DNA depletion syndrome, encephalomyopathic form with methylmalonic aciduria. Last evaluated: 2022-06-16. Review status: criteria provided, single submitter. Criteria: Invitae Variant Classification Sherloc (09022015). Collection method: clinical testing. Allele origin: germline.
Comment: Algorithms developed to predict the effect of missense changes on protein structure and function are either unavailable or do not agree on the potential impact of this missense change (SIFT: "Deleterious"; PolyPhen-2: "Probably Damaging"; Align-GVGD: "Class C15"). In summary, the available evidence is currently insufficient to determine the role of this variant in disease. Therefore, it has been classified as a Variant of Uncertain Significance. This variant has not been reported in the literature in individuals affected with SUCLA2-related conditions. This variant is not present in population databases (gnomAD no frequency). This sequence change replaces leucine, which is neutral and non-polar, with phenylalanine, which is neutral and non-polar, at codon 314 of the SUCLA2 protein (p.Leu314Phe).